The following is an entry in ClinVar:

NM_030665.4(RAI1):c.2153C>T (p.Ala718Val)

Gene: RAI1 (retinoic acid induced 1; plus strand). Cytogenetic location: 17p11.2.
Variant type: single nucleotide variant.
Coding change: c.2153C>T on transcript NM_030665.4 (MANE Select); coding-DNA position 2153, C replaced by T.
Protein change: p.Ala718Val; replaces alanine 718 with valine.
Molecular consequence: missense variant.
Genome position (GRCh38, 1-based): chr17:17,795,101, C>T. VCF-style: chr17-17795101-C-T. GRCh37 (hg19) VCF-style: chr17-17698415-C-T.
Other names: short protein forms A718V.
Identifiers: ClinVar variation 2877829 (VCV002877829.3), dbSNP rs2032181326, ClinGen allele CA398550276.

ClinVar aggregate classification (germline): Uncertain significance (1 of 4 stars; one submission).

gnomAD v4.1: 1 of 1,614,108 alleles (0.000062%); no homozygotes.

Submission:

Labcorp Genetics (formerly Invitae), Labcorp
Classification: Uncertain significance. Last evaluated: 2025-08-11. Review status: criteria provided, single submitter. Criteria: Invitae Variant Classification Sherloc (09022015). Collection method: clinical testing. Allele origin: germline.
Comment: This sequence change replaces alanine, which is neutral and non-polar, with valine, which is neutral and non-polar, at codon 718 of the RAI1 protein (p.Ala718Val). This variant is not present in population databases (gnomAD no frequency). This variant has not been reported in the literature in individuals affected with RAI1-related conditions. ClinVar contains an entry for this variant (Variation ID: 2877829). Invitae Evidence Modeling of protein sequence and biophysical properties (such as structural, functional, and spatial information, amino acid conservation, physicochemical variation, residue mobility, and thermodynamic stability) indicates that this missense variant is not expected to disrupt RAI1 protein function with a negative predictive value of 80%. In summary, the available evidence is currently insufficient to determine the role of this variant in disease. Therefore, it has been classified as a Variant of Uncertain Significance.